The following is an entry in ClinVar:

ClinVar aggregate classification (germline): Benign. Review status: criteria provided, multiple submitters, no conflicts (2 of 4 stars). 2 submissions from 2 submitters: Benign (2). Last evaluated 2018-06-14.

Allele frequency attached by ClinVar (database versions not stated): gnomAD exomes 0.28008; 1000 Genomes Project 0.33786; 1000 Genomes Project 30x 0.33916; gnomAD 0.38691 and 0.38153; TOPMed 0.36372.

Submissions (2):

GeneDx
Classification: Benign. Last evaluated: 2018-06-14. Review status: criteria provided, single submitter. Criteria: GeneDx Variant Classification (06012015). Collection method: clinical testing. Allele origin: germline. Affected: yes.
Comment: This variant is considered likely benign or benign based on one or more of the following criteria: it is a conservative change, it occurs at a poorly conserved position in the protein, it is predicted to be benign by multiple in silico algorithms, and/or has population frequency not consistent with disease.

Breakthrough Genomics
Classification: Benign. Review status: criteria provided, single submitter. Criteria: ACMG Guidelines, 2015. Collection method: not provided. Allele origin: germline. Inheritance: Autosomal recessive inheritance. Affected: yes.

NM_000530.6(MPZ):c.-187T>C

Gene: MPZ (myelin protein zero; minus strand). Cytogenetic location: 1q23.3.
Variant type: single nucleotide variant.
Coding change: c.-187T>C on transcript NM_000530.6; 187 bases upstream of the start codon, T replaced by C.
Genome position (GRCh38, 1-based): chr1:161,310,092, A>G on the plus strand (T>C on the coding strand, the complement: MPZ is on the minus strand). VCF-style: chr1-161310092-A-G. GRCh37 (hg19) VCF-style: chr1-161279882-A-G.
Identifiers: ClinVar variation 683188 (VCV000683188.4), dbSNP rs28703151, ClinGen allele CA15077585.